The following is an entry in ClinVar:

NM_000362.5(TIMP3):c.*2188C>T

Genes: SYN3 (synapsin III; minus strand), TIMP3 (TIMP metallopeptidase inhibitor 3; plus strand). Cytogenetic location: 22q12.3.
Variant type: single nucleotide variant.
Coding change: c.*2188C>T on transcript NM_000362.5 (MANE Select); 2188 bases downstream of the stop codon, C replaced by T.
Molecular consequence: 3 prime UTR variant. On other transcripts: intron variant (7).
Genome position (GRCh38, 1-based): chr22:32,861,565, C>T. VCF-style: chr22-32861565-C-T. GRCh37 (hg19) VCF-style: chr22-33257552-C-T.
Other names: c.708+3350G>A (NM_001369909.1, NM_001135774.2, NM_001369910.1); c.711+3350G>A (NM_001369907.1, NM_003490.4, NM_001369908.1 and 1 more transcripts).
Identifiers: ClinVar variation 341383 (VCV000341383.5), dbSNP rs148261331, ClinGen allele CA10653423.

ClinVar aggregate classification (germline): Benign (1 of 4 stars; one submission).

Conditions:
Sorsby fundus dystrophy (SFD). Also called: MACULAR DYSTROPHY, HEMORRHAGIC; Sorsby fundus dystrophy, Lavia type; FUNDUS DYSTROPHY, PSEUDOINFLAMMATORY, OF SORSBY. Identifiers: Orphanet 59181, MedGen C1850938, MONDO:0007640, OMIM 136900.

Allele frequency attached by ClinVar (database versions not stated): gnomAD 0.00070 and 0.00073; TOPMed 0.00073; 1000 Genomes Project 30x 0.00141; 1000 Genomes Project 0.00160.
gnomAD v4.1: 106 of 152,632 alleles (0.069%); highest among the groups gnomAD compares: African/African-American, 0.23%; no homozygotes.

Submission:

Illumina Laboratory Services, Illumina
Classification: Benign for Sorsby fundus dystrophy. Last evaluated: 2018-01-12. Review status: criteria provided, single submitter. Criteria: ICSL Variant Classification Criteria 13 December 2019. Collection method: clinical testing. Allele origin: germline.
Comment: This variant was observed in the ICSL laboratory as part of a predisposition screen in an ostensibly healthy population. It had not been previously curated by ICSL or reported in the Human Gene Mutation Database (HGMD: prior to June 1st, 2018), and was therefore a candidate for classification through an automated scoring system. Utilizing variant allele frequency, disease prevalence and penetrance estimates, and inheritance mode, an automated score was calculated to assess if this variant is too frequent to cause the disease. Based on the score and internal cut-off values, a variant classified as benign is not then subjected to further curation. The score for this variant resulted in a classification of benign for this disease.